The following is an entry in ClinVar:

ClinVar aggregate classification (germline): Uncertain significance. Review status: criteria provided, multiple submitters, no conflicts (2 of 4 stars). 2 submissions from 2 submitters: Uncertain significance (2). Last evaluated 2025-12-27.

Conditions:
Vitamin B2 deficiency. Identifiers: MedGen C0035528.

Allele frequency attached by ClinVar (database versions not stated): gnomAD 0.00001 and 0.00002; TOPMed 0.00006; 1000 Genomes Project 0.00020; 1000 Genomes Project 30x 0.00031.
gnomAD v4.1: 38 of 1,614,184 alleles (0.0024%); highest among the groups gnomAD compares: East Asian, 0.033%; no homozygotes.

Submissions (2):

Labcorp Genetics (formerly Invitae), Labcorp
Classification: Uncertain significance for Vitamin B2 deficiency. Last evaluated: 2025-12-27. Review status: criteria provided, single submitter. Criteria: Invitae Variant Classification Sherloc (09022015). Collection method: clinical testing. Allele origin: germline.
Comment: This sequence change replaces arginine, which is basic and polar, with histidine, which is basic and polar, at codon 190 of the SLC52A1 protein (p.Arg190His). This variant is present in population databases (rs545814197, gnomAD 0.06%). This variant has not been reported in the literature in individuals affected with SLC52A1-related conditions. ClinVar contains an entry for this variant (Variation ID: 1347484). Invitae Evidence Modeling of protein sequence and biophysical properties (such as structural, functional, and spatial information, amino acid conservation, physicochemical variation, residue mobility, and thermodynamic stability) indicates that this missense variant is not expected to disrupt SLC52A1 protein function with a negative predictive value of 80%. In summary, the available evidence is currently insufficient to determine the role of this variant in disease. Therefore, it has been classified as a Variant of Uncertain Significance.

Ambry Genetics
Classification: Uncertain significance. Last evaluated: 2025-12-10. Review status: criteria provided, single submitter. Criteria: Ambry Variant Classification Scheme 2023. Collection method: clinical testing. Allele origin: germline.

NM_017986.4(SLC52A1):c.569G>A (p.Arg190His)

Gene: SLC52A1 (solute carrier family 52 member 1; minus strand). Cytogenetic location: 17p13.2.
Variant type: single nucleotide variant.
Coding change: c.569G>A on transcript NM_017986.4 (MANE Select); coding-DNA position 569, G replaced by A.
Protein change: p.Arg190His; replaces arginine 190 with histidine.
Molecular consequence: missense variant.
Genome position (GRCh38, 1-based): chr17:5,033,920, C>T on the plus strand (G>A on the coding strand, the complement: SLC52A1 is on the minus strand). VCF-style: chr17-5033920-C-T. GRCh37 (hg19) VCF-style: chr17-4937215-C-T.
Other names: c.569G>A, p.Arg190His (NM_001104577.2); c.569G>A (NM_001104577.1); short protein forms R190H.
Identifiers: ClinVar variation 1347484 (VCV001347484.9), dbSNP rs545814197, ClinGen allele CA8319758.